The following is an entry in ClinVar:

ClinVar aggregate classification (germline): Uncertain significance (1 of 4 stars; one submission).

Submission:

Women's Health and Genetics/Laboratory Corporation of America, LabCorp
Classification: Uncertain significance. Last evaluated: 2025-07-29. Review status: criteria provided, single submitter. Criteria: LabCorp Variant Classification Summary - May 2015. Collection method: clinical testing. Allele origin: germline.
Comment: Variant summary: TYR c.158G>C (p.Gly53Ala) results in a non-conservative amino acid change in the encoded protein sequence. Algorithms developed to predict the effect of missense changes on protein structure and function all suggest that this variant is likely to be disruptive. The variant was absent in 251376 control chromosomes. The available data on variant occurrences in the general population are insufficient to allow any conclusion about variant significance. To our knowledge, no occurrence of c.158G>C in individuals affected with Oculocutaneous Albinism and no experimental evidence demonstrating its impact on protein function have been reported. No submitters have cited clinical-significance assessments for this variant to ClinVar. Based on the evidence outlined above, the variant was classified as uncertain significance.

NM_000372.5(TYR):c.158G>C (p.Gly53Ala)

Gene: TYR (tyrosinase; plus strand). Cytogenetic location: 11q14.3.
Variant type: single nucleotide variant.
Coding change: c.158G>C on transcript NM_000372.5 (MANE Select); coding-DNA position 158, G replaced by C.
Protein change: p.Gly53Ala; replaces glycine 53 with alanine.
Molecular consequence: missense variant.
Genome position (GRCh38, 1-based): chr11:89,178,111, G>C. VCF-style: chr11-89178111-G-C. GRCh37 (hg19) VCF-style: chr11-88911279-G-C.
Other names: short protein forms G53A.
Identifiers: ClinVar variation 4526073 (VCV004526073.1).